The following is an entry in ClinVar:

NM_005633.4(SOS1):c.1934T>C (p.Ile645Thr)

Gene: SOS1 (SOS Ras/Rac guanine nucleotide exchange factor 1; minus strand). Cytogenetic location: 2p22.1.
Variant type: single nucleotide variant.
Coding change: c.1934T>C on transcript NM_005633.4 (MANE Select); coding-DNA position 1934, T replaced by C.
Protein change: p.Ile645Thr; replaces isoleucine 645 with threonine.
Molecular consequence: missense variant.
Genome position (GRCh38, 1-based): chr2:39,014,771, A>G on the plus strand (T>C on the coding strand, the complement: SOS1 is on the minus strand). VCF-style: chr2-39014771-A-G. GRCh37 (hg19) VCF-style: chr2-39241912-A-G.
Other names: p.Ile645Thr; c.1913T>C, p.Ile638Thr (NM_001382394.1); c.1934T>C, p.Ile645Thr (NM_001382395.1); short protein forms I645T, I638T.
Identifiers: ClinVar variation 1782938 (VCV001782938.29), dbSNP rs1356040248, ClinGen allele CA346365049.

ClinVar aggregate classification (germline): Uncertain significance. Review status: criteria provided, multiple submitters, no conflicts (2 of 4 stars). 4 submissions from 4 submitters: Uncertain significance (4). Last evaluated 2024-10-19.

Conditions:
Cardiovascular phenotype. Identifiers: MedGen CN230736.

Allele frequency attached by ClinVar (database versions not stated): gnomAD exomes below 0.00001; gnomAD 0.00001.
gnomAD v4.1: 3 of 1,529,836 alleles (0.0002%); highest among the groups gnomAD compares: African/African-American, 0.0027%; no homozygotes.

Submissions (4):

Ambry Genetics
Classification: Uncertain significance for Cardiovascular phenotype. Last evaluated: 2024-10-19. Review status: criteria provided, single submitter. Criteria: Ambry Variant Classification Scheme 2023. Collection method: clinical testing. Allele origin: germline.
Comment: The p.I645T variant (also known as c.1934T>C), located in coding exon 11 of the SOS1 gene, results from a T to C substitution at nucleotide position 1934. The isoleucine at codon 645 is replaced by threonine, an amino acid with similar properties. This amino acid position is conserved. In addition, the in silico prediction for this alteration is inconclusive. Since supporting evidence is limited at this time, the clinical significance of this alteration remains unclear.

Mayo Clinic Laboratories, Mayo Clinic
Classification: Uncertain significance. Last evaluated: 2024-02-20. Review status: criteria provided, single submitter. Criteria: ACMG Guidelines, 2015. Collection method: clinical testing. Allele origin: germline. Observed: 1 variant allele.
Comment: PP2

GeneDx
Classification: Uncertain significance. Last evaluated: 2024-01-02. Review status: criteria provided, single submitter. Criteria: GeneDx Variant Classification Process June 2021. Collection method: clinical testing. Allele origin: germline. Affected: yes.
Comment: Missense variants in this gene are a common cause of disease and they are underrepresented in the general population; In silico analysis supports that this missense variant has a deleterious effect on protein structure/function; Has not been previously published as pathogenic or benign to our knowledge; This variant is associated with the following publications: (PMID: 29493581)

CeGaT Center for Human Genetics Tuebingen
Classification: Uncertain significance. Last evaluated: 2022-08-01. Review status: criteria provided, single submitter. Criteria: CeGaT Center For Human Genetics Tuebingen Variant Classification Criteria Version 2. Collection method: clinical testing. Allele origin: germline. Affected: yes. Observed: 1 variant allele.
Comment: SOS1: PM2